The following is an entry in ClinVar:

NM_001018113.3(FANCB):c.337C>T (p.His113Tyr)

Gene: FANCB (FA complementation group B; minus strand). Cytogenetic location: Xp22.2.
Variant type: single nucleotide variant.
Coding change: c.337C>T on transcript NM_001018113.3 (MANE Select); coding-DNA position 337, C replaced by T.
Protein change: p.His113Tyr; replaces histidine 113 with tyrosine.
Molecular consequence: missense variant.
Genome position (GRCh38, 1-based): chrX:14,865,174, G>A on the plus strand (C>T on the coding strand, the complement: FANCB is on the minus strand). VCF-style: chrX-14865174-G-A. GRCh37 (hg19) VCF-style: chrX-14883296-G-A.
Other names: c.337C>T, p.His113Tyr (NM_001324162.2, NM_001410764.1, NM_152633.4); short protein forms H113Y.
Identifiers: ClinVar variation 3685090 (VCV003685090.2).

ClinVar aggregate classification (germline): Uncertain significance (1 of 4 stars; one submission).

Conditions:
Fanconi anemia (FA). Also called: Fanconi's anemia. Identifiers: Orphanet 84, MedGen C0015625, MeSH D005199, MONDO:0019391.

Submission:

Labcorp Genetics (formerly Invitae), Labcorp
Classification: Uncertain significance for Fanconi anemia. Last evaluated: 2024-12-04. Review status: criteria provided, single submitter. Criteria: Invitae Variant Classification Sherloc (09022015). Collection method: clinical testing. Allele origin: germline.
Comment: This sequence change replaces histidine, which is basic and polar, with tyrosine, which is neutral and polar, at codon 113 of the FANCB protein (p.His113Tyr). This variant is not present in population databases (gnomAD no frequency). This variant has not been reported in the literature in individuals affected with FANCB-related conditions. Invitae Evidence Modeling of protein sequence and biophysical properties (such as structural, functional, and spatial information, amino acid conservation, physicochemical variation, residue mobility, and thermodynamic stability) indicates that this missense variant is expected to disrupt FANCB protein function with a positive predictive value of 80%. In summary, the available evidence is currently insufficient to determine the role of this variant in disease. Therefore, it has been classified as a Variant of Uncertain Significance.